The following is an entry in ClinVar:

ClinVar aggregate classification (germline): Uncertain significance. Review status: criteria provided, multiple submitters, no conflicts (2 of 4 stars). 4 submissions from 4 submitters: Uncertain significance (4). Last evaluated 2025-07-31.

Conditions:
Hereditary cancer-predisposing syndrome. Also called: Neoplastic Syndromes, Hereditary; Tumor predisposition; Hereditary Cancer Syndrome; Hereditary neoplastic syndrome. Identifiers: Orphanet 140162, MedGen C0027672, MeSH D009386, MONDO:0015356.
Hereditary breast ovarian cancer syndrome. Also called: Breast and ovarian cancer; BRCA1- and BRCA2-Associated Hereditary Breast and Ovarian Cancer; Hereditary breast and ovarian cancer; Hereditary breast and ovarian cancer syndrome (HBOC); Hereditary breast and/or ovarian cancer syndrome; Hereditary breast and ovarian cancer syndrome. Identifiers: Orphanet 145, MedGen C0677776, MeSH D061325, MONDO:0003582. Disease mechanism: loss of function.
Familial cancer of breast. Also called: hereditary breast carcinoma; Hereditary breast cancer; BREAST CANCER, FAMILIAL. Identifiers: Orphanet 227535, MedGen C0346153, MONDO:0016419, OMIM 114480. Disease mechanism: loss of function.

Allele frequency attached by ClinVar (database versions not stated): gnomAD exomes below 0.00001.
gnomAD v4.1: 5 of 1,614,036 alleles (0.00031%); highest among the groups gnomAD compares: African/African-American, 0.004%; no homozygotes.

Submissions (4):

Labcorp Genetics (formerly Invitae), Labcorp
Classification: Uncertain significance for Familial cancer of breast. Last evaluated: 2025-07-31. Review status: criteria provided, single submitter. Criteria: Invitae Variant Classification Sherloc (09022015). Collection method: clinical testing. Allele origin: germline.
Comment: This sequence change replaces glutamine, which is neutral and polar, with histidine, which is basic and polar, at codon 158 of the PALB2 protein (p.Gln158His). This variant is not present in population databases (gnomAD no frequency). This variant has not been reported in the literature in individuals affected with PALB2-related conditions. ClinVar contains an entry for this variant (Variation ID: 649100). An algorithm developed to predict the effect of missense changes on protein structure and function (PolyPhen-2) suggests that this variant is likely to be disruptive. In summary, the available evidence is currently insufficient to determine the role of this variant in disease. Therefore, it has been classified as a Variant of Uncertain Significance.

Color Diagnostics, LLC DBA Color Health
Classification: Uncertain significance for Hereditary cancer-predisposing syndrome. Last evaluated: 2024-03-11. Review status: criteria provided, single submitter. Criteria: ACMG Guidelines, 2015. Collection method: clinical testing. Allele origin: germline.
Comment: This missense variant replaces glutamine with histidine at codon 158 of the PALB2 protein. Computational prediction suggests that this variant may not impact protein structure and function. To our knowledge, functional studies have not been reported for this variant. This variant has not been reported as a germline mutation in individuals affected with PALB2-related disorders in the literature. This variant has not been identified in the general population by the Genome Aggregation Database (gnomAD). The available evidence is insufficient to determine the role of this variant in disease conclusively. Therefore, this variant is classified as a Variant of Uncertain Significance.

National Health Laboratory Service, Universitas Academic Hospital and University of the Free State
Classification: Uncertain significance for Hereditary breast ovarian cancer syndrome. Last evaluated: 2022-04-19. Review status: criteria provided, single submitter. Criteria: ACMG Guidelines, 2015. Collection method: clinical testing. Allele origin: germline. Affected: yes. Observed: 2 variant alleles.

Ambry Genetics
Classification: Uncertain significance for Hereditary cancer-predisposing syndrome. Last evaluated: 2021-02-17. Review status: criteria provided, single submitter. Criteria: Ambry Variant Classification Scheme 2023. Collection method: clinical testing. Allele origin: germline.
Comment: The p.Q158H variant (also known as c.474G>C), located in coding exon 4 of the PALB2 gene, results from a G to C substitution at nucleotide position 474. The glutamine at codon 158 is replaced by histidine, an amino acid with highly similar properties. This amino acid position is not well conserved in available vertebrate species. In addition, this alteration is predicted to be tolerated by in silico analysis. Since supporting evidence is limited at this time, the clinical significance of this alteration remains unclear.

NM_024675.4(PALB2):c.474G>C (p.Gln158His)

Gene: PALB2 (partner and localizer of BRCA2; minus strand). Cytogenetic location: 16p12.2.
Variant type: single nucleotide variant.
Coding change: c.474G>C on transcript NM_024675.4 (MANE Select); coding-DNA position 474, G replaced by C.
Protein change: p.Gln158His; replaces glutamine 158 with histidine.
Molecular consequence: missense variant.
Genome position (GRCh38, 1-based): chr16:23,636,072, C>G on the plus strand (G>C on the coding strand, the complement: PALB2 is on the minus strand). VCF-style: chr16-23636072-C-G. GRCh37 (hg19) VCF-style: chr16-23647393-C-G.
Other names: NP_078951.2:p.Gln158His; short protein forms Q158H.
Identifiers: ClinVar variation 649100 (VCV000649100.12), dbSNP rs878855119, ClinGen allele CA395137124.